The following is an entry in ClinVar:

ClinVar aggregate classification (germline): Uncertain significance (1 of 4 stars; one submission).

Conditions:
Inborn genetic diseases. Identifiers: MedGen C0950123, MeSH D030342.

Submission:

Ambry Genetics
Classification: Uncertain significance for Inborn genetic diseases. Last evaluated: 2025-09-10. Review status: criteria provided, single submitter. Criteria: Ambry Variant Classification Scheme 2023. Collection method: clinical testing. Allele origin: germline.
Comment: The p.H26P variant (also known as c.77A>C), located in coding exon 1 of the SAMD9 gene, results from an A to C substitution at nucleotide position 77. The histidine at codon 26 is replaced by proline, an amino acid with similar properties. This amino acid position is conserved. In addition, this alteration is predicted to be tolerated by in silico analysis. Based on the available evidence, the clinical significance of this variant remains unclear.

NM_017654.4(SAMD9):c.77A>C (p.His26Pro)

Gene: SAMD9 (sterile alpha motif domain containing 9; minus strand). Cytogenetic location: 7q21.2.
Variant type: single nucleotide variant.
Coding change: c.77A>C on transcript NM_017654.4 (MANE Select); coding-DNA position 77, A replaced by C.
Protein change: p.His26Pro; replaces histidine 26 with proline.
Molecular consequence: missense variant.
Genome position (GRCh38, 1-based): chr7:93,106,021, T>G on the plus strand (A>C on the coding strand, the complement: SAMD9 is on the minus strand). VCF-style: chr7-93106021-T-G. GRCh37 (hg19) VCF-style: chr7-92735334-T-G.
Other names: c.77A>C, p.His26Pro (NM_001193307.2); short protein forms H26P.
Identifiers: ClinVar variation 4159217 (VCV004159217.1).
Genomic context (GRCh38, chr7:93,106,021, plus strand): 5'-AAGACTGCTCCATTCACGTCTTGTTCAGTCAAAATTTCCCTGTGTTTTTGGTCAATCTTA[T>G]GACTTTCTAACCACTGATTTACATCCTCTTTTGTCCAATCATCTGTATTTTCTGGAAGGT-3'
Protein context (NP_060124.2, residues 16-36): KEDVNQWLES[His26Pro]KIDQKHREIL